The following is an entry in ClinVar:

NM_003628.6(PKP4):c.2466G>T (p.Trp822Cys)

Genes: PKP4 (plakophilin 4; plus strand), PKP4-AS1 (PKP4 antisense RNA 1; minus strand). Cytogenetic location: 2q24.1.
Variant type: single nucleotide variant.
Coding change: c.2466G>T on transcript NM_003628.6 (MANE Select); coding-DNA position 2466, G replaced by T.
Protein change: p.Trp822Cys; replaces tryptophan 822 with cysteine.
Molecular consequence: missense variant.
Genome position (GRCh38, 1-based): chr2:158,663,334, G>T. VCF-style: chr2-158663334-G-T. GRCh37 (hg19) VCF-style: chr2-159519846-G-T.
Other names: c.2466G>T, p.Trp822Cys (NM_001005476.4, NM_001304971.2, NM_001377218.1 and 1 more transcripts); c.2463G>T, p.Trp821Cys (NM_001304969.3, NM_001377219.1, NM_001377220.1 and 2 more transcripts); c.1437G>T, p.Trp479Cys (NM_001304970.3); c.2460G>T, p.Trp820Cys (NM_001377222.1, NM_001377223.1); c.2457G>T, p.Trp819Cys (NM_001377224.1); short protein forms W479C, W821C, W822C, W820C, W819C.
Identifiers: ClinVar variation 1791692 (VCV001791692.2), dbSNP rs370064108, ClinGen allele CA1921004.
Genomic context (GRCh38, chr2:158,663,334, plus strand): 5'-GGATGGAGTTGGTCCTATCCCAGGACTGTCGAAGTCCCCCAAAGGGGTTGAGATGCTGTG[G>T]CACCCATCGGTGGTAAAACCATATCTGACTCTTCTAGCAGAAAGTTCCAACCCAGCCACC-3'
Protein context (NP_003619.2, residues 812-832): SKSPKGVEML[Trp822Cys]HPSVVKPYLT

ClinVar aggregate classification (germline): Uncertain significance (1 of 4 stars; one submission).

Allele frequency attached by ClinVar (database versions not stated): ExAC 0.00002; gnomAD 0.00005; TOPMed 0.00012; ESP Exome Variant Server 0.00015.
gnomAD v4.1: 16 of 1,613,988 alleles (0.00099%); highest among the groups gnomAD compares: African/African-American, 0.017%; no homozygotes.

Submission:

Ambry Genetics
Classification: Uncertain significance. Last evaluated: 2021-09-21. Review status: criteria provided, single submitter. Criteria: Ambry Variant Classification Scheme 2023. Collection method: clinical testing. Allele origin: germline.
Comment: The p.W822C variant (also known as c.2466G>T), located in coding exon 14 of the PKP4 gene, results from a G to T substitution at nucleotide position 2466. The tryptophan at codon 822 is replaced by cysteine, an amino acid with highly dissimilar properties. This amino acid position is conserved. In addition, this alteration is predicted to be deleterious by in silico analysis. Since supporting evidence is limited at this time, the clinical significance of this alteration remains unclear.